The following is an entry in ClinVar:

NM_004928.3(CFAP410):c.97-1G>A

Gene: CFAP410 (cilia and flagella associated protein 410; minus strand). Cytogenetic location: 21q22.3.
Variant type: single nucleotide variant.
Coding change: c.97-1G>A on transcript NM_004928.3 (MANE Select); the canonical splice acceptor site of the intron before coding-DNA position 97, G replaced by A.
Molecular consequence: splice acceptor variant.
Genome position (GRCh38, 1-based): chr21:44,335,805, C>T on the plus strand (G>A on the coding strand, the complement: CFAP410 is on the minus strand). VCF-style: chr21-44335805-C-T. GRCh37 (hg19) VCF-style: chr21-45755688-C-T.
Other names: c.97-1G>A (NM_001271440.2, NM_001271441.2); c.-18-1G>A (NM_001271442.1).
Identifiers: ClinVar variation 3659583 (VCV003659583.2).

ClinVar aggregate classification (germline): Likely pathogenic (1 of 4 stars; one submission).

gnomAD v4.1: 1 of 1,586,934 alleles (0.000063%); no homozygotes.

Submission:

Labcorp Genetics (formerly Invitae), Labcorp
Classification: Likely pathogenic. Last evaluated: 2024-07-15. Review status: criteria provided, single submitter. Criteria: Invitae Variant Classification Sherloc (09022015). Collection method: clinical testing. Allele origin: germline.
Comment: This sequence change affects an acceptor splice site in intron 2 of the CFAP410 gene. It is expected to disrupt RNA splicing. Variants that disrupt the donor or acceptor splice site typically lead to a loss of protein function (PMID: 16199547), and loss-of-function variants in CFAP410 are known to be pathogenic (PMID: 23105016, 26167768). This variant is not present in population databases (gnomAD no frequency). This variant has not been reported in the literature in individuals affected with CFAP410-related conditions. Algorithms developed to predict the effect of sequence changes on RNA splicing suggest that this variant may disrupt the consensus splice site. In summary, the currently available evidence indicates that the variant is pathogenic, but additional data are needed to prove that conclusively. Therefore, this variant has been classified as Likely Pathogenic.

Literature cited by the submitters: PubMed 16199547; PubMed 23105016; PubMed 26167768.